The following is an entry in ClinVar:

ClinVar aggregate classification (germline): Uncertain significance. Review status: criteria provided, multiple submitters, no conflicts (2 of 4 stars). 2 submissions from 2 submitters: Uncertain significance (2). Last evaluated 2025-09-24.

Allele frequency attached by ClinVar (database versions not stated): TOPMed 0.00028; ExAC 0.00031; gnomAD 0.00035; ESP Exome Variant Server 0.00038; gnomAD exomes 0.00048.
gnomAD v4.1: 744 of 1,604,024 alleles (0.046%); highest among the groups gnomAD compares: Non-Finnish European, 0.058%; 1 homozygote.

Submissions (2):

Labcorp Genetics (formerly Invitae), Labcorp
Classification: Uncertain significance. Last evaluated: 2025-09-24. Review status: criteria provided, single submitter. Criteria: Invitae Variant Classification Sherloc (09022015). Collection method: clinical testing. Allele origin: germline.
Comment: This sequence change replaces glutamic acid, which is acidic and polar, with lysine, which is basic and polar, at codon 876 of the CCDC141 protein (p.Glu876Lys). This variant is present in population databases (rs201428694, gnomAD 0.05%). This variant has not been reported in the literature in individuals affected with CCDC141-related conditions. ClinVar contains an entry for this variant (Variation ID: 2072164). An algorithm developed to predict the effect of missense changes on protein structure and function (PolyPhen-2) suggests that this variant is likely to be disruptive. In summary, the available evidence is currently insufficient to determine the role of this variant in disease. Therefore, it has been classified as a Variant of Uncertain Significance.

Ambry Genetics
Classification: Uncertain significance. Last evaluated: 2021-10-20. Review status: criteria provided, single submitter. Criteria: Ambry Variant Classification Scheme 2023. Collection method: clinical testing. Allele origin: germline.

NM_173648.4(CCDC141):c.2626G>A (p.Glu876Lys)

Gene: CCDC141 (coiled-coil domain containing 141; minus strand). Cytogenetic location: 2q31.2.
Variant type: single nucleotide variant.
Coding change: c.2626G>A on transcript NM_173648.4 (MANE Select); coding-DNA position 2626, G replaced by A.
Protein change: p.Glu876Lys; replaces glutamic acid 876 with lysine.
Molecular consequence: missense variant.
Genome position (GRCh38, 1-based): chr2:178,865,865, C>T on the plus strand (G>A on the coding strand, the complement: CCDC141 is on the minus strand). VCF-style: chr2-178865865-C-T. GRCh37 (hg19) VCF-style: chr2-179730592-C-T.
Other names: short protein forms E876K.
Identifiers: ClinVar variation 2072164 (VCV002072164.5), dbSNP rs201428694, ClinGen allele CA2006958.